The following is an entry in ClinVar:

NM_006017.3(PROM1):c.754del (p.Val252fs)

Gene: PROM1 (prominin 1; minus strand). Cytogenetic location: 4p15.32.
Variant type: Deletion.
Coding change: c.754del on transcript NM_006017.3 (MANE Select); coding-DNA position 754, one base deleted (G; older notation c.754delG).
Protein change: p.Val252fs; shifts the reading frame from valine 252.
Molecular consequence: frameshift variant.
Genome position (GRCh38, 1-based): chr4:16,023,356, C deleted on the plus strand (G on the coding strand, the reverse complement: PROM1 is on the minus strand). VCF-style (leftmost placement, unchanged base first): chr4-16023355-AC-A. GRCh37 (hg19) VCF-style: chr4-16024978-AC-A.
Other names: c.727del, p.Val243fs (NM_001145847.2, NM_001145848.2, NM_001145851.2 and 4 more transcripts); c.754del, p.Val252fs (NM_001145849.2, NM_001145850.2); short protein forms V243fs, V252fs.
Identifiers: ClinVar variation 1441148 (VCV001441148.6), dbSNP rs2149331785, ClinGen allele CA2573137631.

ClinVar aggregate classification (germline): Pathogenic (1 of 4 stars; one submission).

Submission:

Labcorp Genetics (formerly Invitae), Labcorp
Classification: Pathogenic. Last evaluated: 2022-01-13. Review status: criteria provided, single submitter. Criteria: Invitae Variant Classification Sherloc (09022015). Collection method: clinical testing. Allele origin: germline.
Comment: This variant has not been reported in the literature in individuals affected with PROM1-related conditions. This variant is not present in population databases (gnomAD no frequency). This sequence change creates a premature translational stop signal (p.Val252Phefs*22) in the PROM1 gene. It is expected to result in an absent or disrupted protein product. Loss-of-function variants in PROM1 are known to be pathogenic (PMID: 17605048, 19718270, 24154662, 25474345). For these reasons, this variant has been classified as Pathogenic.

Literature cited by the submitters: PubMed 17605048; PubMed 19718270; PubMed 24154662; PubMed 25474345.